The following is an entry in ClinVar:

ClinVar aggregate classification (germline): Pathogenic (0 of 4 stars; one submission).

Conditions:
Fanconi anemia complementation group A (FANCA). Also called: Fanconi anemia, group A; FANCA-Related Fanconi Anemia. Identifiers: Orphanet 84, MedGen C3469521, MONDO:0009215, OMIM 227650.

Submission:

Leiden Open Variation Database
Classification: Pathogenic for Fanconi anemia complementation group A. Last evaluated: 2020-02-28. Review status: no assertion criteria provided. Collection method: curation. Allele origin: germline. Affected: yes.
Comment: Curator: Arleen D. Auerbach. Submitter to LOVD: Sue Richards.

Literature cited by the submitters: PubMed 19367192.

NC_000016.10:g.(89773385_89775741)_(89784965_89791402)dup

Gene: FANCA (FA complementation group A; minus strand). Cytogenetic location: 16q24.3.
Variant type: Duplication.
Identifiers: ClinVar variation 974117 (VCV000974117.1).